The following is an entry in ClinVar:

NM_003265.3(TLR3):c.2672A>G (p.His891Arg)

Gene: TLR3 (toll like receptor 3; plus strand). Cytogenetic location: 4q35.1.
Variant type: single nucleotide variant.
Coding change: c.2672A>G on transcript NM_003265.3 (MANE Select); coding-DNA position 2672, A replaced by G.
Protein change: p.His891Arg; replaces histidine 891 with arginine.
Molecular consequence: missense variant.
Genome position (GRCh38, 1-based): chr4:186,084,830, A>G. VCF-style: chr4-186084830-A-G. GRCh37 (hg19) VCF-style: chr4-187005984-A-G.
Other names: short protein forms H891R.
Identifiers: ClinVar variation 1366330 (VCV001366330.6), dbSNP rs758310298, ClinGen allele CA358938253.

ClinVar aggregate classification (germline): Uncertain significance (1 of 4 stars; one submission).

Conditions:
Encephalopathy, acute, infection-induced (herpes-specific), susceptibility to, 1. Also called: Herpes simplex encephalitis, susceptibility to, 1. Identifiers: Orphanet 1930, MedGen C2750180, MONDO:0024563, OMIM 610551.

Submission:

Labcorp Genetics (formerly Invitae), Labcorp
Classification: Uncertain significance for Encephalopathy, acute, infection-induced (herpes-specific), susceptibility to, 1. Last evaluated: 2022-10-17. Review status: criteria provided, single submitter. Criteria: Invitae Variant Classification Sherloc (09022015). Collection method: clinical testing. Allele origin: germline.
Comment: In summary, the available evidence is currently insufficient to determine the role of this variant in disease. Therefore, it has been classified as a Variant of Uncertain Significance. This sequence change replaces histidine, which is basic and polar, with arginine, which is basic and polar, at codon 891 of the TLR3 protein (p.His891Arg). This variant is not present in population databases (gnomAD no frequency). This missense change has been observed in individual(s) with primary immunodeficiency (PMID: 27872624). ClinVar contains an entry for this variant (Variation ID: 1366330). Algorithms developed to predict the effect of missense changes on protein structure and function (SIFT, PolyPhen-2, Align-GVGD) all suggest that this variant is likely to be tolerated. Experimental studies are conflicting or provide insufficient evidence to determine the effect of this variant on TLR3 function (PMID: 27872624).

Literature cited by the submitters: PubMed 27872624.